The following is an entry in ClinVar:

ClinVar aggregate classification (germline): Uncertain significance (1 of 4 stars; one submission).

Conditions:
Hereditary sensory and autonomic neuropathy type 1 (HSAN1). Also called: HSAN 1; HSN Type I; Hereditary Sensory Neuropathy Type I. Identifiers: Orphanet 36386, MedGen C0020071, MONDO:0018213.

Allele frequency attached by ClinVar (database versions not stated): gnomAD exomes 0.00001.
gnomAD v4.1: 3 of 1,613,800 alleles (0.00019%); highest among the groups gnomAD compares: Non-Finnish European, 0.00025%; no homozygotes.

Submission:

Labcorp Genetics (formerly Invitae), Labcorp
Classification: Uncertain significance for Hereditary sensory and autonomic neuropathy type 1. Last evaluated: 2022-09-11. Review status: criteria provided, single submitter. Criteria: Invitae Variant Classification Sherloc (09022015). Collection method: clinical testing. Allele origin: germline.
Comment: This sequence change replaces glycine, which is neutral and non-polar, with valine, which is neutral and non-polar, at codon 316 of the SPTLC1 protein (p.Gly316Val). This variant is present in population databases (no rsID available, gnomAD 0.0009%). In summary, the available evidence is currently insufficient to determine the role of this variant in disease. Therefore, it has been classified as a Variant of Uncertain Significance. Advanced modeling of protein sequence and biophysical properties (such as structural, functional, and spatial information, amino acid conservation, physicochemical variation, residue mobility, and thermodynamic stability) performed at Invitae indicates that this missense variant is expected to disrupt SPTLC1 protein function. This variant has not been reported in the literature in individuals affected with SPTLC1-related conditions.

NM_006415.4(SPTLC1):c.947G>T (p.Gly316Val)

Gene: SPTLC1 (serine palmitoyltransferase long chain base subunit 1; minus strand). Cytogenetic location: 9q22.31.
Variant type: single nucleotide variant.
Coding change: c.947G>T on transcript NM_006415.4 (MANE Select); coding-DNA position 947, G replaced by T.
Protein change: p.Gly316Val; replaces glycine 316 with valine.
Molecular consequence: missense variant.
Genome position (GRCh38, 1-based): chr9:92,047,650, C>A on the plus strand (G>T on the coding strand, the complement: SPTLC1 is on the minus strand). VCF-style: chr9-92047650-C-A. GRCh37 (hg19) VCF-style: chr9-94809932-C-A.
Other names: c.947G>T, p.Gly316Val (NM_001281303.2); c.581G>T, p.Gly194Val (NM_001368272.1); c.482G>T, p.Gly161Val (NM_001368273.1); short protein forms G194V, G316V, G161V.
Identifiers: ClinVar variation 2155081 (VCV002155081.4), dbSNP rs1356518013, ClinGen allele CA373792706.